The following is an entry in ClinVar:

ClinVar aggregate classification (germline): Uncertain significance (1 of 4 stars; one submission).

Submission:

Women's Health and Genetics/Laboratory Corporation of America, LabCorp
Classification: Uncertain significance. Last evaluated: 2026-02-13. Review status: criteria provided, single submitter. Criteria: LabCorp Variant Classification Summary - May 2015. Collection method: clinical testing. Allele origin: germline.
Comment: Variant summary: HNF1A c.817A>G (p.Lys273Glu) results in a conservative amino acid change in the encoded protein sequence. Algorithms developed to predict the effect of missense changes on protein structure and function are either unavailable or do not agree on the potential impact of this missense change. The variant was absent in 249060 control chromosomes (gnomAD). The available data on variant occurrences in the general population are insufficient to allow any conclusion about variant significance. To our knowledge, no occurrence of c.817A>G in individuals affected with HNF1A-related conditions and no experimental evidence demonstrating its impact on protein function have been reported. A different variant affecting the same codon has been classified as likely pathogenic by our lab (c.819A>C, p.Lys273Asn), supporting the critical relevance of codon 273 to HNF1A protein function. No submitters have cited clinical-significance assessments for this variant to ClinVar. Based on the evidence outlined above, the variant was classified as uncertain significance.

NM_000545.8(HNF1A):c.817A>G (p.Lys273Glu)

Gene: HNF1A (HNF1 homeobox A; plus strand). Cytogenetic location: 12q24.31.
Variant type: single nucleotide variant.
Coding change: c.817A>G on transcript NM_000545.8 (MANE Select); coding-DNA position 817, A replaced by G.
Protein change: p.Lys273Glu; replaces lysine 273 with glutamic acid.
Molecular consequence: missense variant.
Genome position (GRCh38, 1-based): chr12:120,994,267, A>G. VCF-style: chr12-120994267-A-G. GRCh37 (hg19) VCF-style: chr12-121432070-A-G.
Other names: c.817A>G, p.Lys273Glu (NM_001306179.2, NM_001406915.1); short protein forms K273E.
Identifiers: ClinVar variation 4847849 (VCV004847849.1).